The following is an entry in ClinVar:

ClinVar aggregate classification (germline): Pathogenic (1 of 4 stars; one submission).

Allele frequency attached by ClinVar (database versions not stated): gnomAD 0.00001; TOPMed 0.00001; ESP Exome Variant Server 0.00008; gnomAD exomes below 0.00001; ExAC 0.00001.

Submission:

Labcorp Genetics (formerly Invitae), Labcorp
Classification: Pathogenic. Last evaluated: 2025-03-17. Review status: criteria provided, single submitter. Criteria: Invitae Variant Classification Sherloc (09022015). Collection method: clinical testing. Allele origin: germline.
Comment: This sequence change creates a premature translational stop signal (p.Ser1266Asnfs*2) in the MPDZ gene. It is expected to result in an absent or disrupted protein product. Loss-of-function variants in MPDZ are known to be pathogenic (PMID: 23240096, 28556411). This variant is present in population databases (rs757127350, gnomAD 0.004%). This variant has not been reported in the literature in individuals affected with MPDZ-related conditions. ClinVar contains an entry for this variant (Variation ID: 3017634). Algorithms developed to predict the effect of sequence changes on RNA splicing suggest that this variant may disrupt the consensus splice site. For these reasons, this variant has been classified as Pathogenic.

Literature cited by the submitters: PubMed 23240096; PubMed 28556411.

NM_001378778.1(MPDZ):c.3797_3798del (p.Ser1266fs)

Gene: MPDZ (multiple PDZ domain crumbs cell polarity complex component; minus strand). Cytogenetic location: 9p23.
Variant type: Deletion.
Coding change: c.3797_3798del on transcript NM_001378778.1 (MANE Select); coding-DNA positions 3797 to 3798, 2 bases deleted (GC; older notation c.3797_3798delGC).
Protein change: p.Ser1266fs; shifts the reading frame from serine 1266.
Molecular consequence: frameshift variant. On other transcripts: intron variant (14).
Genome position (GRCh38, 1-based): chr9:13,143,508-13,143,509, GC deleted on the plus strand (GC on the coding strand, the reverse complement: MPDZ is on the minus strand). VCF-style (leftmost placement, unchanged base first): chr9-13143507-TGC-T. GRCh37 (hg19) VCF-style: chr9-13143506-TGC-T.
Other names: c.3797_3798del, p.Ser1266fs (NM_001330637.2, NM_001375413.1, NM_003829.5); c.3631-3360_3631-3359del (NM_001375425.1, NM_001375420.1, NM_001375423.1 and 4 more transcripts); c.3742-3360_3742-3359del (NM_001375419.1, NM_001375416.1, NM_001375418.1 and 3 more transcripts); c.3433-3360_3433-3359del (NM_001375427.1); short protein forms S1266fs.
Identifiers: ClinVar variation 3017634 (VCV003017634.3), dbSNP rs757127350, ClinGen allele CA4986966.